The following is an entry in ClinVar:

ClinVar aggregate classification (germline): Uncertain significance (1 of 4 stars; one submission).

Submission:

GeneDx
Classification: Uncertain significance. Last evaluated: 2024-11-13. Review status: criteria provided, single submitter. Criteria: GeneDx Variant Classification Process June 2021. Collection method: clinical testing. Allele origin: germline. Affected: yes.
Comment: Not observed at significant frequency in large population cohorts (gnomAD); In silico analysis supports that this missense variant has a deleterious effect on protein structure/function; Has not been previously published as pathogenic or benign to our knowledge

NM_001127222.2(CACNA1A):c.5258C>G (p.Thr1753Ser)

Gene: CACNA1A (calcium voltage-gated channel subunit alpha1 A; minus strand). Cytogenetic location: 19p13.13.
Variant type: single nucleotide variant.
Coding change: c.5258C>G on transcript NM_001127222.2 (MANE Select); coding-DNA position 5258, C replaced by G.
Protein change: p.Thr1753Ser; replaces threonine 1753 with serine.
Molecular consequence: missense variant.
Genome position (GRCh38, 1-based): chr19:13,231,852, G>C on the plus strand (C>G on the coding strand, the complement: CACNA1A is on the minus strand). VCF-style: chr19-13231852-G-C. GRCh37 (hg19) VCF-style: chr19-13342666-G-C.
Other names: c.5276C>G, p.Thr1759Ser (NM_000068.4, NM_023035.3); c.5261C>G, p.Thr1754Ser (NM_001127221.2); c.5267C>G, p.Thr1756Ser (NM_001174080.2); short protein forms T1753S, T1754S, T1756S, T1759S.
Identifiers: ClinVar variation 2446653 (VCV002446653.3), dbSNP rs2512627243, ClinGen allele CA404334930.